The following is an entry in ClinVar:

NM_206937.2(LIG4):c.1828C>A (p.Leu610Ile)

Gene: LIG4 (DNA ligase 4; minus strand). Cytogenetic location: 13q33.3.
Variant type: single nucleotide variant.
Coding change: c.1828C>A on transcript NM_206937.2 (MANE Select); coding-DNA position 1828, C replaced by A.
Protein change: p.Leu610Ile; replaces leucine 610 with isoleucine.
Molecular consequence: missense variant.
Genome position (GRCh38, 1-based): chr13:108,209,441, G>T on the plus strand (C>A on the coding strand, the complement: LIG4 is on the minus strand). VCF-style: chr13-108209441-G-T. GRCh37 (hg19) VCF-style: chr13-108861789-G-T.
Other names: c.1828C>A, p.Leu610Ile (NM_001098268.2, NM_001352598.2, NM_001352599.2 and 6 more transcripts); c.1627C>A, p.Leu543Ile (NM_001330595.2); c.1864C>A, p.Leu622Ile (NM_001352604.2); short protein forms L610I, L622I, L543I.
Identifiers: ClinVar variation 2086635 (VCV002086635.4), dbSNP rs374790306, ClinGen allele CA7043609.
Genomic context (GRCh38, chr13:108,209,441, plus strand): 5'-CTTTCCGCTTTTTTTCTTGTGGTTCATCATCACCACCTATATAAAGGTGTTTAGATGCGA[G>T]CTTACCAGATGCCTTCCCCCTAAGTTGTTCTAGGTCGTCCAGGGTCATGCACTCATGCCA-3'
Protein context (NP_996820.1, residues 600-620): EQLRGKASGK[Leu610Ile]ASKHLYIGGD

ClinVar aggregate classification (germline): Uncertain significance (1 of 4 stars; one submission).

Conditions:
DNA ligase IV deficiency. Identifiers: Orphanet 99812, MedGen C1847827, MONDO:0011686, OMIM 606593.

Allele frequency attached by ClinVar (database versions not stated): ExAC 0.00001; gnomAD exomes 0.00001; ESP Exome Variant Server 0.00008.
gnomAD v4.1: 9 of 1,614,146 alleles (0.00056%); highest among the groups gnomAD compares: Non-Finnish European, 0.00076%; no homozygotes.

Submission:

Labcorp Genetics (formerly Invitae), Labcorp
Classification: Uncertain significance for DNA ligase IV deficiency. Last evaluated: 2022-01-17. Review status: criteria provided, single submitter. Criteria: Invitae Variant Classification Sherloc (09022015). Collection method: clinical testing. Allele origin: germline.
Comment: In summary, the available evidence is currently insufficient to determine the role of this variant in disease. Therefore, it has been classified as a Variant of Uncertain Significance. Algorithms developed to predict the effect of missense changes on protein structure and function are either unavailable or do not agree on the potential impact of this missense change (SIFT: "Deleterious"; PolyPhen-2: "Possibly Damaging"; Align-GVGD: "Class C0"). This variant has not been reported in the literature in individuals affected with LIG4-related conditions. This variant is present in population databases (rs374790306, gnomAD 0.002%). This sequence change replaces leucine, which is neutral and non-polar, with isoleucine, which is neutral and non-polar, at codon 610 of the LIG4 protein (p.Leu610Ile).